The following is an entry in ClinVar:

ClinVar aggregate classification (germline): Uncertain significance. Review status: criteria provided, multiple submitters, no conflicts (2 of 4 stars). 3 submissions from 3 submitters: Uncertain significance (3). Last evaluated 2024-05-08.

Conditions:
Blepharophimosis - intellectual disability syndrome, SBBYS type (SBBYSS). Also called: Say-Barber-Biesecker variant of Ohdo syndrome (SBBYSS); Say-Barber-Biesecker-Young-Simpson variant of Ohdo Syndrome; Say-Barber-Biesecker Variant of Ohdo Syndrome; Young Simpson syndrome; Mental retardation unusual facies hypothyroidism; Ohdo syndrome, SBBYS variant. Identifiers: Orphanet 3047, MedGen C1863557, MONDO:0011365, OMIM 603736.
Genitopatellar syndrome (GTPTS). Also called: Genitopatellar syndrome (GPS); ABSENT PATELLAE, SCROTAL HYPOPLASIA, RENAL ANOMALIES, FACIAL DYSMORPHISM, AND MENTAL RETARDATION. Identifiers: Orphanet 85201, MedGen C1853566, MONDO:0011640, OMIM 606170.
Inborn genetic diseases. Identifiers: MedGen C0950123, MeSH D030342.

Allele frequency attached by ClinVar (database versions not stated): gnomAD 0.00003.

Submissions (3):

Fulgent Genetics
Classification: Uncertain significance for Blepharophimosis - intellectual disability syndrome, SBBYS type; Genitopatellar syndrome. Last evaluated: 2024-05-08. Review status: criteria provided, single submitter. Criteria: ACMG Guidelines, 2015. Collection method: clinical testing. Allele origin: germline.

Labcorp Genetics (formerly Invitae), Labcorp
Classification: Uncertain significance for Genitopatellar syndrome. Last evaluated: 2023-07-22. Review status: criteria provided, single submitter. Criteria: Invitae Variant Classification Sherloc (09022015). Collection method: clinical testing. Allele origin: germline.
Comment: This sequence change replaces glutamine, which is neutral and polar, with arginine, which is basic and polar, at codon 1246 of the KAT6B protein (p.Gln1246Arg). This variant is not present in population databases (gnomAD no frequency). This variant has not been reported in the literature in individuals affected with KAT6B-related conditions. ClinVar contains an entry for this variant (Variation ID: 2208667). Advanced modeling of protein sequence and biophysical properties (such as structural, functional, and spatial information, amino acid conservation, physicochemical variation, residue mobility, and thermodynamic stability) performed at Invitae indicates that this missense variant is not expected to disrupt KAT6B protein function. In summary, the available evidence is currently insufficient to determine the role of this variant in disease. Therefore, it has been classified as a Variant of Uncertain Significance.

Ambry Genetics
Classification: Uncertain significance for Inborn genetic diseases. Last evaluated: 2022-06-09. Review status: criteria provided, single submitter. Criteria: Ambry Variant Classification Scheme 2023. Collection method: clinical testing. Allele origin: germline.

NM_012330.4(KAT6B):c.3737A>G (p.Gln1246Arg)

Gene: KAT6B (lysine acetyltransferase 6B; plus strand). Cytogenetic location: 10q22.2.
Variant type: single nucleotide variant.
Coding change: c.3737A>G on transcript NM_012330.4 (MANE Select); coding-DNA position 3737, A replaced by G.
Protein change: p.Gln1246Arg; replaces glutamine 1246 with arginine.
Molecular consequence: missense variant.
Genome position (GRCh38, 1-based): chr10:75,028,561, A>G. VCF-style: chr10-75028561-A-G. GRCh37 (hg19) VCF-style: chr10-76788319-A-G.
Other names: c.3188A>G, p.Gln1063Arg (NM_001256468.2, NM_001370138.1); c.2861A>G, p.Gln954Arg (NM_001256469.2, NM_001370139.1, NM_001370140.1 and 2 more transcripts); c.2699A>G, p.Gln900Arg (NM_001370132.1); c.2048A>G, p.Gln683Arg (NM_001370133.1); c.1652A>G, p.Gln551Arg (NM_001370134.1); c.1394A>G, p.Gln465Arg (NM_001370135.1); c.3737A>G, p.Gln1246Arg (NM_001370136.1, NM_001370137.1); c.2672A>G, p.Gln891Arg (NM_001370143.1, NM_001370144.1); short protein forms Q1063R, Q465R, Q551R, Q683R, Q900R, Q954R, Q891R, Q1246R.
Identifiers: ClinVar variation 2208667 (VCV002208667.6), dbSNP rs1362318886, ClinGen allele CA377291568.